The following is an entry in ClinVar:

ClinVar aggregate classification (germline): Uncertain significance (1 of 4 stars; one submission).

Conditions:
Familial sleep-related hypermotor epilepsy. Also called: Autosomal Dominant Sleep-Related Hypermotor (Hyperkinetic) Epilepsy. Identifiers: Orphanet 98784, MedGen C3696898, MONDO:0000030.

Submission:

Labcorp Genetics (formerly Invitae), Labcorp
Classification: Uncertain significance. Last evaluated: 2022-02-22. Review status: criteria provided, single submitter. Criteria: Invitae Variant Classification Sherloc (09022015). Collection method: clinical testing. Allele origin: germline.
Comment: This sequence change replaces isoleucine, which is neutral and non-polar, with valine, which is neutral and non-polar, at codon 189 of the CHRNA4 protein (p.Ile189Val). This variant is not present in population databases (gnomAD no frequency). This variant has not been reported in the literature in individuals affected with CHRNA4-related conditions. Algorithms developed to predict the effect of missense changes on protein structure and function output the following: SIFT: "Tolerated"; PolyPhen-2: "Benign"; Align-GVGD: "Class C0". The valine amino acid residue is found in multiple mammalian species, which suggests that this missense change does not adversely affect protein function. In summary, the available evidence is currently insufficient to determine the role of this variant in disease. Therefore, it has been classified as a Variant of Uncertain Significance.

NM_000744.7(CHRNA4):c.565A>G (p.Ile189Val)

Gene: CHRNA4 (cholinergic receptor nicotinic alpha 4 subunit; minus strand). Cytogenetic location: 20q13.33.
Variant type: single nucleotide variant.
Coding change: c.565A>G on transcript NM_000744.7 (MANE Select); coding-DNA position 565, A replaced by G.
Protein change: p.Ile189Val; replaces isoleucine 189 with valine.
Molecular consequence: missense variant. On other transcripts: non-coding transcript variant (1).
Genome position (GRCh38, 1-based): chr20:63,350,846, T>C on the plus strand (A>G on the coding strand, the complement: CHRNA4 is on the minus strand). VCF-style: chr20-63350846-T-C. GRCh37 (hg19) VCF-style: chr20-61982198-T-C.
Other names: c.37A>G, p.Ile13Val (NM_001256573.2); short protein forms I13V, I189V.
Identifiers: ClinVar variation 2101577 (VCV002101577.4), dbSNP rs2516542974, ClinGen allele CA409637895.